The following is an entry in ClinVar:

ClinVar aggregate classification (germline): Conflicting classifications of pathogenicity. Review status: criteria provided, conflicting classifications (1 of 4 stars). 5 submissions from 5 submitters: Uncertain significance (4); Likely benign (1). Last evaluated 2025-12-22.

Conditions:
Hereditary nonpolyposis colorectal neoplasms. Identifiers: MedGen C0009405, MeSH D003123.
Hereditary cancer-predisposing syndrome. Also called: Tumor predisposition; Neoplastic Syndromes, Hereditary; Hereditary neoplastic syndrome; Hereditary Cancer Syndrome. Identifiers: Orphanet 140162, MedGen C0027672, MeSH D009386, MONDO:0015356.
Endometrial carcinoma. Also called: Endometrial carcinoma, somatic. Identifiers: MedGen C0476089, MONDO:0002447, OMIM 608089, HP:0012114.

Allele frequency attached by ClinVar (database versions not stated): gnomAD exomes below 0.00001 and 0.00001; TOPMed 0.00001.
gnomAD v4.1: 5 of 1,614,168 alleles (0.00031%); highest among the groups gnomAD compares: African/African-American, 0.0027%; no homozygotes.

Submissions (5):

Labcorp Genetics (formerly Invitae), Labcorp
Classification: Likely benign for Hereditary nonpolyposis colorectal neoplasms. Last evaluated: 2025-12-22. Review status: criteria provided, single submitter. Criteria: Invitae Variant Classification Sherloc (09022015). Collection method: clinical testing. Allele origin: germline.

GeneDx
Classification: Uncertain significance. Last evaluated: 2024-04-22. Review status: criteria provided, single submitter. Criteria: GeneDx Variant Classification Process June 2021. Collection method: clinical testing. Allele origin: germline. Affected: yes.
Comment: Not observed at significant frequency in large population cohorts (gnomAD); In silico analysis indicates that this missense variant does not alter protein structure/function; Has not been previously published as pathogenic or benign to our knowledge; This variant is associated with the following publications: (PMID: 17531815, 21120944)

Color Diagnostics, LLC DBA Color Health
Classification: Uncertain significance for Hereditary cancer-predisposing syndrome. Last evaluated: 2024-03-06. Review status: criteria provided, single submitter. Criteria: ACMG Guidelines, 2015. Collection method: clinical testing. Allele origin: germline.
Comment: This missense variant replaces asparagine with serine at codon 600 of the MSH6 protein. Computational prediction suggests that this variant may not impact protein structure and function (internally defined REVEL score threshold <= 0.5, PMID: 27666373). To our knowledge, functional studies have not been reported for this variant. This variant has not been reported in individuals affected with MSH6-related disorders in the literature. This variant has been identified in 2/250434 chromosomes in the general population by the Genome Aggregation Database (gnomAD). The available evidence is insufficient to determine the role of this variant in disease conclusively. Therefore, this variant is classified as a Variant of Uncertain Significance.

Baylor Genetics
Classification: Uncertain significance for Endometrial carcinoma. Last evaluated: 2023-05-30. Review status: criteria provided, single submitter. Criteria: ACMG Guidelines, 2015. Collection method: clinical testing. Allele origin: unknown.

Ambry Genetics
Classification: Uncertain significance for Hereditary cancer-predisposing syndrome. Last evaluated: 2023-05-12. Review status: criteria provided, single submitter. Criteria: Ambry Variant Classification Scheme 2023. Collection method: clinical testing. Allele origin: germline.
Comment: The p.N600S variant (also known as c.1799A>G), located in coding exon 4 of the MSH6 gene, results from an A to G substitution at nucleotide position 1799. The asparagine at codon 600 is replaced by serine, an amino acid with highly similar properties. This amino acid position is highly conserved in available vertebrate species. In addition, the in silico prediction for this alteration is inconclusive. Since supporting evidence is limited at this time, the clinical significance of this alteration remains unclear.

NM_000179.3(MSH6):c.1799A>G (p.Asn600Ser)

Gene: MSH6 (mutS homolog 6; plus strand). Cytogenetic location: 2p16.3.
Variant type: single nucleotide variant.
Coding change: c.1799A>G on transcript NM_000179.3 (MANE Select); coding-DNA position 1799, A replaced by G.
Protein change: p.Asn600Ser; replaces asparagine 600 with serine.
Molecular consequence: missense variant.
Genome position (GRCh38, 1-based): chr2:47,799,782, A>G. VCF-style: chr2-47799782-A-G. GRCh37 (hg19) VCF-style: chr2-48026921-A-G.
Other names: c.1409A>G, p.Asn470Ser (NM_001281492.2); c.893A>G, p.Asn298Ser (NM_001281493.2, NM_001281494.2); short protein forms N600S, N470S, N298S.
Identifiers: ClinVar variation 630745 (VCV000630745.22), dbSNP rs1446456295, ClinGen allele CA346749332.
Genomic context (GRCh38, chr2:47,799,782, plus strand): 5'-CGAGATTTAGGACTCTAGTGGCACACTATCCCCCAGTACAAGTTTTATTTGAAAAAGGAA[A>G]TCTCTCAAAGGAAACTAAAACAATTCTAAAGAGTTCATTGTCCTGTTCTCTTCAGGAAGG-3'
Protein context (NP_000170.1, residues 590-610): PPVQVLFEKG[Asn600Ser]LSKETKTILK